The following is an entry in ClinVar:

ClinVar aggregate classification (germline): Uncertain significance (1 of 4 stars; one submission).

Allele frequency attached by ClinVar (database versions not stated): ExAC 0.00001; gnomAD exomes 0.00001; TOPMed 0.00002.
gnomAD v4.1: 30 of 1,581,014 alleles (0.0019%); highest among the groups gnomAD compares: Non-Finnish European, 0.0025%; no homozygotes.

Submission:

Labcorp Genetics (formerly Invitae), Labcorp
Classification: Uncertain significance. Last evaluated: 2025-02-24. Review status: criteria provided, single submitter. Criteria: Invitae Variant Classification Sherloc (09022015). Collection method: clinical testing. Allele origin: germline.
Comment: This sequence change replaces asparagine, which is neutral and polar, with aspartic acid, which is acidic and polar, at codon 1383 of the MCM3AP protein (p.Asn1383Asp). This variant is present in population databases (rs757532589, gnomAD 0.002%). This variant has not been reported in the literature in individuals affected with MCM3AP-related conditions. ClinVar contains an entry for this variant (Variation ID: 1509786). An algorithm developed to predict the effect of missense changes on protein structure and function outputs the following: PolyPhen-2: "Benign". The aspartic acid amino acid residue is found in multiple mammalian species, which suggests that this missense change does not adversely affect protein function. In summary, the available evidence is currently insufficient to determine the role of this variant in disease. Therefore, it has been classified as a Variant of Uncertain Significance.

NM_003906.5(MCM3AP):c.4147A>G (p.Asn1383Asp)

Genes: MCM3AP (minichromosome maintenance complex component 3 associated protein; minus strand), MCM3AP-AS1 (MCM3AP antisense RNA 1; plus strand). Cytogenetic location: 21q22.3.
Variant type: single nucleotide variant.
Coding change: c.4147A>G on transcript NM_003906.5 (MANE Select); coding-DNA position 4147, A replaced by G.
Protein change: p.Asn1383Asp; replaces asparagine 1383 with aspartic acid.
Molecular consequence: missense variant. On other transcripts: non-coding transcript variant (2).
Genome position (GRCh38, 1-based): chr21:46,251,672, T>C on the plus strand (A>G on the coding strand, the complement: MCM3AP is on the minus strand). VCF-style: chr21-46251672-T-C. GRCh37 (hg19) VCF-style: chr21-47671586-T-C.
Other names: short protein forms N1383D.
Identifiers: ClinVar variation 1509786 (VCV001509786.7), dbSNP rs757532589, ClinGen allele CA10076208.